The following is an entry in ClinVar:

NM_003647.3(DGKE):c.610dup (p.Thr204fs)

Gene: DGKE (diacylglycerol kinase epsilon; plus strand). Cytogenetic location: 17q22.
Variant type: Duplication.
Coding change: c.610dup on transcript NM_003647.3 (MANE Select); coding-DNA position 610, one base duplicated (A; older notation c.610dupA).
Protein change: p.Thr204fs; shifts the reading frame from threonine 204.
Molecular consequence: frameshift variant.
Genome position (GRCh38, 1-based): chr17:56,844,164, A duplicated; the last of 7 consecutive A bases (chr17:56,844,158-56,844,164); duplicating any one gives the same sequence. VCF-style (leftmost placement, unchanged base first): chr17-56844157-C-CA. GRCh37 (hg19) VCF-style: chr17-54921518-C-CA.
Other names: c.610dupA (NM_003647.2); short protein forms T204fs.
Identifiers: ClinVar variation 635454 (VCV000635454.10), dbSNP rs147972030, ClinGen allele CA8663537.

ClinVar aggregate classification (germline): Pathogenic/Likely pathogenic. Review status: criteria provided, multiple submitters, no conflicts (2 of 4 stars). 6 submissions from 6 submitters: Pathogenic (4); Likely pathogenic (1). 1 of the submissions does not count toward it. Last evaluated 2025-09-26.

Conditions:
Immunoglobulin-mediated membranoproliferative glomerulonephritis. Also called: NEPHROTIC SYNDROME, TYPE 7, WITH MEMBRANOPROLIFERATIVE GLOMERULONEPHRITIS; Nephrotic syndrome, type 7. Identifiers: Orphanet 329903, MedGen C3554330, MONDO:0014005, OMIM 615008.
Atypical hemolytic-uremic syndrome. Identifiers: Orphanet 2134, MedGen C2931788, MONDO:0016244.
DGKE-related disorders.

Submissions (6):

Genomenon, Inc
Classification: Pathogenic for Atypical hemolytic-uremic syndrome. Last evaluated: 2025-09-26. Review status: criteria provided, single submitter. Criteria: Genomenon Sequence Variant Interpretation Standards - Updated. Collection method: curation. Allele origin: germline. Affected: yes.
Comment: DGKE p.Thr204AsnfsTer4 (c.610dup) is a frameshift variant that results in the production of a truncated protein which is predicted to undergo nonsense-mediated mRNA decay. This variant has been observed in at least one proband affected with atypical hemolytic-uremic syndrome (PMID:37456562;25443527). A de novo occurrence of this variant has been observed in at least one affected individual (PMID:37456562). It is absent or not present at a significant frequency in gnomAD. In conclusion, we classify DGKE p.Thr204AsnfsTer4 (c.610dup) as a pathogenic variant.

Labcorp Genetics (formerly Invitae), Labcorp
Classification: Pathogenic. Last evaluated: 2024-12-03. Review status: criteria provided, single submitter. Criteria: Invitae Variant Classification Sherloc (09022015). Collection method: clinical testing. Allele origin: germline.
Comment: This sequence change creates a premature translational stop signal (p.Thr204Asnfs*4) in the DGKE gene. It is expected to result in an absent or disrupted protein product. Loss-of-function variants in DGKE are known to be pathogenic (PMID: 23274426, 23542698). The frequency data for this variant in the population databases is considered unreliable, as metrics indicate poor data quality at this position in the gnomAD database. This premature translational stop signal has been observed in individual(s) with DGKE-related conditions (PMID: 25443527, 28526779). This variant is also known as c.790_791insA. ClinVar contains an entry for this variant (Variation ID: 635454). Algorithms developed to predict the effect of sequence changes on RNA splicing suggest that this variant may disrupt the consensus splice site. For these reasons, this variant has been classified as Pathogenic.

Genome Diagnostics Laboratory, The Hospital for Sick Children
Classification: Pathogenic for Atypical hemolytic-uremic syndrome. Last evaluated: 2022-07-04. Review status: criteria provided, single submitter. Criteria: ACMG Guidelines, 2015. Collection method: clinical testing. Allele origin: germline.

Fulgent Genetics
Classification: Pathogenic for Immunoglobulin-mediated membranoproliferative glomerulonephritis. Last evaluated: 2022-05-05. Review status: criteria provided, single submitter. Criteria: ACMG Guidelines, 2015. Collection method: clinical testing. Allele origin: unknown.

Blueprint Genetics
Classification: Likely pathogenic for DGKE-related disorders. Last evaluated: 2022-04-29. Review status: criteria provided, single submitter. Criteria: ACMG Guidelines, 2015. Collection method: clinical testing. Allele origin: germline. Affected: yes. Observed: 2 variant alleles.

Bioscientia Institut fuer Medizinische Diagnostik GmbH, Sonic Healthcare
Classification: Pathogenic for Immunoglobulin-mediated membranoproliferative glomerulonephritis. Last evaluated: 2018-12-03. Review status: no assertion criteria provided. Collection method: clinical testing. Allele origin: germline. Affected: yes. Not counted in ClinVar's aggregate classification.

Literature cited by the submitters: PubMed 37456562 (cited by Genomenon, Inc); PubMed 25443527 (cited by Genomenon, Inc and Labcorp Genetics (formerly Invitae), Labcorp); PubMed 23274426 (cited by Labcorp Genetics (formerly Invitae), Labcorp); PubMed 23542698 (cited by Labcorp Genetics (formerly Invitae), Labcorp); PubMed 28526779 (cited by Labcorp Genetics (formerly Invitae), Labcorp).